The following is an entry in ClinVar:

ClinVar aggregate classification (germline): Uncertain significance (1 of 4 stars; one submission).

Conditions:
Cardiovascular phenotype. Identifiers: MedGen CN230736.

Submission:

Ambry Genetics
Classification: Uncertain significance for Cardiovascular phenotype. Last evaluated: 2024-06-07. Review status: criteria provided, single submitter. Criteria: Ambry Variant Classification Scheme 2023. Collection method: clinical testing. Allele origin: germline.
Comment: The p.G423D variant (also known as c.1268G>A), located in coding exon 9 of the LMF1 gene, results from a G to A substitution at nucleotide position 1268. The glycine at codon 423 is replaced by aspartic acid, an amino acid with similar properties. This amino acid position is conserved. In addition, this alteration is predicted to be deleterious by in silico analysis. Based on the available evidence, the clinical significance of this variant remains unclear.

NM_022773.4(LMF1):c.1268G>A (p.Gly423Asp)

Gene: LMF1 (lipase maturation factor 1; minus strand). Cytogenetic location: 16p13.3.
Variant type: single nucleotide variant.
Coding change: c.1268G>A on transcript NM_022773.4 (MANE Select); coding-DNA position 1268, G replaced by A.
Protein change: p.Gly423Asp; replaces glycine 423 with aspartic acid.
Molecular consequence: missense variant. On other transcripts: non-coding transcript variant (1).
Genome position (GRCh38, 1-based): chr16:870,031, C>T on the plus strand (G>A on the coding strand, the complement: LMF1 is on the minus strand). VCF-style: chr16-870031-C-T. GRCh37 (hg19) VCF-style: chr16-920031-C-T.
Other names: c.617G>A, p.Gly206Asp (NM_001352017.2, NM_001352021.2); c.869G>A, p.Gly290Asp (NM_001352018.2); c.941G>A, p.Gly314Asp (NM_001352019.2); c.1268G>A, p.Gly423Asp (NM_001352020.1); short protein forms G206D, G423D, G290D, G314D.
Identifiers: ClinVar variation 3290931 (VCV003290931.1).